The following is an entry in ClinVar:

ClinVar aggregate classification (germline): Uncertain significance (1 of 4 stars; one submission).

gnomAD v4.1: 1 of 1,614,124 alleles (0.000062%); highest among the groups gnomAD compares: Admixed American, 0.0017%; no homozygotes.

Submission:

Women's Health and Genetics/Laboratory Corporation of America, LabCorp
Classification: Uncertain significance. Last evaluated: 2022-08-26. Review status: criteria provided, single submitter. Criteria: LabCorp Variant Classification Summary - May 2015. Collection method: clinical testing. Allele origin: germline.
Comment: Variant summary: SPTBN2 c.2779G>A (p.Asp927Asn) results in a conservative amino acid change located in the Spectrin repeat (IPR002017) of the encoded protein sequence. Four of five in-silico tools predict a benign effect of the variant on protein function. The variant allele was found at a frequency of 4e-06 in 251476 control chromosomes (gnomAD). The available data on variant occurrences in the general population are insufficient to allow any conclusion about variant significance. To our knowledge, no occurrence of c.2779G>A in individuals affected with Spinocerebellar Ataxia 5 and no experimental evidence demonstrating its impact on protein function have been reported. No clinical diagnostic laboratories have submitted clinical-significance assessments for this variant to ClinVar after 2014. Based on the evidence outlined above, the variant was classified as uncertain significance.

NM_006946.4(SPTBN2):c.2779G>A (p.Asp927Asn)

Gene: SPTBN2 (spectrin beta, non-erythrocytic 2; minus strand). Cytogenetic location: 11q13.2.
Variant type: single nucleotide variant.
Coding change: c.2779G>A on transcript NM_006946.4 (MANE Select); coding-DNA position 2779, G replaced by A.
Protein change: p.Asp927Asn; replaces aspartic acid 927 with asparagine.
Molecular consequence: missense variant.
Genome position (GRCh38, 1-based): chr11:66,701,621, C>T on the plus strand (G>A on the coding strand, the complement: SPTBN2 is on the minus strand). VCF-style: chr11-66701621-C-T. GRCh37 (hg19) VCF-style: chr11-66469092-C-T.
Other names: c.2800G>A, p.Asp934Asn (NM_001411025.1); short protein forms D927N, D934N.
Identifiers: ClinVar variation 1705213 (VCV001705213.1), dbSNP rs766125112, ClinGen allele CA381476860.